The following is an entry in ClinVar:

NM_000059.4(BRCA2):c.5778T>C (p.Ser1926=)

Gene: BRCA2 (BRCA2 DNA repair associated; plus strand). Cytogenetic location: 13q13.1.
Variant type: single nucleotide variant.
Coding change: c.5778T>C on transcript NM_000059.4 (MANE Select); coding-DNA position 5778, T replaced by C.
Protein change: p.Ser1926=; no amino-acid change (serine 1926 retained).
Molecular consequence: synonymous variant.
Genome position (GRCh38, 1-based): chr13:32,340,133, T>C. VCF-style: chr13-32340133-T-C. GRCh37 (hg19) VCF-style: chr13-32914270-T-C.
Identifiers: ClinVar variation 427456 (VCV000427456.12), dbSNP rs772324268, ClinGen allele CA6940902.
Genomic context (GRCh38, chr13:32,340,133, plus strand): 5'-CTCTCTAGATAATGATGAATGTAGCACGCATTCACATAAGGTTTTTGCTGACATTCAGAG[T>C]GAAGAAATTTTACAACATAACCAAAATATGTCTGGATTGGAGAAAGTTTCTAAAATATCA-3'
Protein context (NP_000050.3, residues 1916-1936): HSHKVFADIQ[Ser1926=]EEILQHNQNM

ClinVar aggregate classification (germline): Likely benign. Review status: reviewed by expert panel (3 of 4 stars). 3 submissions from 3 submitters: Likely benign (1). 2 of the submissions do not count toward it. Last evaluated 2017-06-29.

Conditions:
Hereditary cancer-predisposing syndrome. Also called: Hereditary neoplastic syndrome; Hereditary Cancer Syndrome; Neoplastic Syndromes, Hereditary; Tumor predisposition. Identifiers: Orphanet 140162, MedGen C0027672, MeSH D009386, MONDO:0015356.
Breast-ovarian cancer, familial, susceptibility to, 2 (BROVCA2). Also called: BRCA2 Hereditary Breast and Ovarian Cancer. Identifiers: Orphanet 145, MedGen C2675520, MONDO:0012933, OMIM 612555. Disease mechanism: loss of function.
Hereditary breast ovarian cancer syndrome. Also called: Hereditary breast and ovarian cancer syndrome; BRCA1- and BRCA2-Associated Hereditary Breast and Ovarian Cancer; Hereditary breast and/or ovarian cancer syndrome; Hereditary breast and ovarian cancer; Breast and ovarian cancer; Hereditary breast and ovarian cancer syndrome (HBOC). Identifiers: Orphanet 145, MedGen C0677776, MeSH D061325, MONDO:0003582. Disease mechanism: loss of function.

Allele frequency attached by ClinVar (database versions not stated): gnomAD exomes below 0.00001; ExAC 0.00001.
gnomAD v4.1: 1 of 1,613,112 alleles (0.000062%); highest among the groups gnomAD compares: Non-Finnish European, 0.000085%; no homozygotes.

Submissions (3):

Evidence-based Network for the Interpretation of Germline Mutant Alleles (ENIGMA)
Classification: Likely benign for Breast-ovarian cancer, familial, susceptibility to, 2. Last evaluated: 2017-06-29. Review status: reviewed by expert panel. Criteria: ENIGMA BRCA1/2 Classification Criteria (2017-06-29). Collection method: curation. Allele origin: germline.
Comment: Synonymous substitution variant, with low bioinformatic likelihood to result in a splicing aberration (Splicing prior probability 0.02).

Ambry Genetics
Classification: Likely benign for Hereditary cancer-predisposing syndrome. Last evaluated: 2025-03-30. Review status: criteria provided, single submitter. Criteria: Ambry Variant Classification Scheme 2023. Collection method: clinical testing. Allele origin: germline. Not counted in ClinVar's aggregate classification.

Labcorp Genetics (formerly Invitae), Labcorp
Classification: Likely benign for Hereditary breast ovarian cancer syndrome. Last evaluated: 2021-07-20. Review status: criteria provided, single submitter. Criteria: Invitae Variant Classification Sherloc (09022015). Collection method: clinical testing. Allele origin: germline. Not counted in ClinVar's aggregate classification.